The following is an entry in ClinVar:

NM_001160148.2(DDHD1):c.716A>G (p.Gln239Arg)

Gene: DDHD1 (DDHD domain containing 1; minus strand). Cytogenetic location: 14q22.1.
Variant type: single nucleotide variant.
Coding change: c.716A>G on transcript NM_001160148.2 (MANE Select); coding-DNA position 716, A replaced by G.
Protein change: p.Gln239Arg; replaces glutamine 239 with arginine.
Molecular consequence: missense variant.
Genome position (GRCh38, 1-based): chr14:53,152,383, T>C on the plus strand (A>G on the coding strand, the complement: DDHD1 is on the minus strand). VCF-style: chr14-53152383-T-C. GRCh37 (hg19) VCF-style: chr14-53619101-T-C.
Other names: c.716A>G, p.Gln239Arg (NM_001160147.2, NM_030637.3); short protein forms Q239R.
Identifiers: ClinVar variation 1024299 (VCV001024299.8), dbSNP rs1189242936, ClinGen allele CA389779694.

ClinVar aggregate classification (germline): Uncertain significance (1 of 4 stars; one submission).

Conditions:
Hereditary spastic paraplegia 28. Also called: Spastic paraplegia 28, autosomal recessive. Identifiers: Orphanet 101008, MedGen C1836295, MONDO:0012256, OMIM 609340.

Allele frequency attached by ClinVar (database versions not stated): gnomAD exomes below 0.00001.
gnomAD v4.1: 2 of 1,613,866 alleles (0.00012%); highest among the groups gnomAD compares: Non-Finnish European, 0.00017%; no homozygotes.

Submission:

Labcorp Genetics (formerly Invitae), Labcorp
Classification: Uncertain significance for Hereditary spastic paraplegia 28. Last evaluated: 2024-08-13. Review status: criteria provided, single submitter. Criteria: Invitae Variant Classification Sherloc (09022015). Collection method: clinical testing. Allele origin: germline.
Comment: This sequence change replaces glutamine, which is neutral and polar, with arginine, which is basic and polar, at codon 239 of the DDHD1 protein (p.Gln239Arg). This variant is present in population databases (no rsID available, gnomAD 0.0009%). This variant has not been reported in the literature in individuals affected with DDHD1-related conditions. ClinVar contains an entry for this variant (Variation ID: 1024299). Invitae Evidence Modeling of protein sequence and biophysical properties (such as structural, functional, and spatial information, amino acid conservation, physicochemical variation, residue mobility, and thermodynamic stability) indicates that this missense variant is not expected to disrupt DDHD1 protein function with a negative predictive value of 80%. In summary, the available evidence is currently insufficient to determine the role of this variant in disease. Therefore, it has been classified as a Variant of Uncertain Significance.